The following is an entry in ClinVar:

ClinVar aggregate classification (germline): Uncertain significance (1 of 4 stars; one submission).

Conditions:
Hereditary breast ovarian cancer syndrome. Also called: BRCA1- and BRCA2-Associated Hereditary Breast and Ovarian Cancer; Hereditary breast and ovarian cancer syndrome; Breast and ovarian cancer; Hereditary breast and ovarian cancer; Hereditary breast and ovarian cancer syndrome (HBOC); Hereditary breast and/or ovarian cancer syndrome. Identifiers: Orphanet 145, MedGen C0677776, MeSH D061325, MONDO:0003582. Disease mechanism: loss of function.

Submission:

Labcorp Genetics (formerly Invitae), Labcorp
Classification: Uncertain significance for Hereditary breast ovarian cancer syndrome. Last evaluated: 2025-08-02. Review status: criteria provided, single submitter. Criteria: Invitae Variant Classification Sherloc (09022015). Collection method: clinical testing. Allele origin: germline.
Comment: This variant occurs in a non-coding region of the BRCA2 gene. It does not change the encoded amino acid sequence of the BRCA2 protein. This variant is not present in population databases (gnomAD no frequency). This variant has not been reported in the literature in individuals affected with BRCA2-related conditions. ClinVar contains an entry for this variant (Variation ID: 2883232). In summary, the available evidence is currently insufficient to determine the role of this variant in disease. Therefore, it has been classified as a Variant of Uncertain Significance.

NM_000059.4(BRCA2):c.-27A>G

Gene: BRCA2 (BRCA2 DNA repair associated; plus strand). Cytogenetic location: 13q13.1.
Variant type: single nucleotide variant.
Coding change: c.-27A>G on transcript NM_000059.4 (MANE Select); 27 bases upstream of the start codon, A replaced by G.
Molecular consequence: 5 prime UTR variant. On other transcripts: non-coding transcript variant (1), intron variant (1).
Genome position (GRCh38, 1-based): chr13:32,316,434, A>G. VCF-style: chr13-32316434-A-G. GRCh37 (hg19) VCF-style: chr13-32890571-A-G.
Other names: c.-27A>G (NM_001406719.1, NM_001406720.1, NM_001406721.1); c.-303+767A>G (NM_001406722.1).
Identifiers: ClinVar variation 2883232 (VCV002883232.3), dbSNP rs764618190, ClinGen allele CA247478598.